The following is an entry in ClinVar:

ClinVar aggregate classification (germline): Pathogenic (1 of 4 stars; one submission).

Conditions:
Tatton-Brown-Rahman overgrowth syndrome. Also called: Tall stature-intellectual disability-facial dysmorphism syndrome; Tatton-Brown-Rahman syndrome. Identifiers: Orphanet 404443, MedGen C4014545, MONDO:0014382, OMIM 615879.

Submission:

Labcorp Genetics (formerly Invitae), Labcorp
Classification: Pathogenic for Tatton-Brown-Rahman overgrowth syndrome. Last evaluated: 2023-03-12. Review status: criteria provided, single submitter. Criteria: Invitae Variant Classification Sherloc (09022015). Collection method: clinical testing. Allele origin: germline.
Comment: For these reasons, this variant has been classified as Pathogenic. This variant has not been reported in the literature in individuals affected with DNMT3A-related conditions. The frequency data for this variant in the population databases is considered unreliable, as metrics indicate poor data quality at this position in the gnomAD database. This sequence change creates a premature translational stop signal (p.Glu733*) in the DNMT3A gene. It is expected to result in an absent or disrupted protein product. Loss-of-function variants in DNMT3A are known to be pathogenic (PMID: 24614070).

Literature cited by the submitters: PubMed 24614070.

NM_022552.5(DNMT3A):c.2196dup (p.Glu733Ter)

Gene: DNMT3A (DNA methyltransferase 3 alpha; minus strand). Cytogenetic location: 2p23.3.
Variant type: Duplication.
Coding change: c.2196dup on transcript NM_022552.5 (MANE Select); coding-DNA position 2196, one base duplicated (T; older notation c.2196dupT).
Protein change: p.Glu733Ter; replaces glutamic acid 733 with a stop codon.
Molecular consequence: nonsense. On other transcripts: non-coding transcript variant (1).
Genome position (GRCh38, 1-based): chr2:25,240,428, A duplicated on the plus strand (T on the coding strand, the reverse complement: DNMT3A is on the minus strand); the first of 3 consecutive A bases (chr2:25,240,428-25,240,430); duplicating any one gives the same sequence. VCF-style (leftmost placement, unchanged base first): chr2-25240427-C-CA. GRCh37 (hg19) VCF-style: chr2-25463296-C-CA.
Other names: c.1740dup, p.Glu581Ter (NM_001320893.1); c.1527dup, p.Glu510Ter (NM_001375819.1); c.1629dup, p.Glu544Ter (NM_153759.3); c.2196dup, p.Glu733Ter (NM_175629.2); short protein forms E544*, E510*, E581*, E733*.
Identifiers: ClinVar variation 2910137 (VCV002910137.3), dbSNP rs771906613, ClinGen allele CA1555708.